The following is an entry in ClinVar:

ClinVar aggregate classification (germline): Benign. Review status: criteria provided, single submitter (1 of 4 stars). 3 submissions from 1 submitter: Benign (3). Last evaluated 2018-01-13.

Conditions:
Distal spinal muscular atrophy. Also called: Distal hereditary motor neuropathy; Distal hereditary motor neuronopathy. Identifiers: Orphanet 53739, MedGen C0393541, MONDO:0018894.
Charcot-Marie-Tooth disease type 2D (CMT2D). Also called: GARS1 Adolescent- or Early Adult-Onset Hereditary Motor/Sensory Neuropathy (GARS1-HMSN); Charcot-Marie-Tooth Neuropathy Type 2D; CHARCOT-MARIE-TOOTH DISEASE, AXONAL, TYPE 2D; CHARCOT-MARIE-TOOTH DISEASE, NEURONAL, TYPE 2D. Identifiers: Orphanet 99938, MedGen C1832274, MONDO:0011091, OMIM 601472.
Neuronopathy, distal hereditary motor, type 5A (HMND5). Also called: Distal Spinal Muscular Atrophy V (dSMA-V); NEURONOPATHY, DISTAL HEREDITARY MOTOR, AUTOSOMAL DOMINANT 5; Distal Spinal Muscular Atrophy V; DHMN VA. Identifiers: Orphanet 139536, MedGen CN031873, MONDO:0015353, OMIM 600794.

Allele frequency attached by ClinVar (database versions not stated): gnomAD exomes 0.00028; 1000 Genomes Project 30x 0.00422; gnomAD 0.00341 and 0.00364; TOPMed 0.00408; 1000 Genomes Project 0.00399.

Submissions (3):

Illumina Laboratory Services, Illumina
Classification: Benign for Charcot-Marie-Tooth disease type 2D. Last evaluated: 2018-01-13. Review status: criteria provided, single submitter. Criteria: ICSL Variant Classification Criteria 13 December 2019. Collection method: clinical testing. Allele origin: germline.
Comment: This variant was observed in the ICSL laboratory as part of a predisposition screen in an ostensibly healthy population. It had not been previously curated by ICSL or reported in the Human Gene Mutation Database (HGMD: prior to June 1st, 2018), and was therefore a candidate for classification through an automated scoring system. Utilizing variant allele frequency, disease prevalence and penetrance estimates, and inheritance mode, an automated score was calculated to assess if this variant is too frequent to cause the disease. Based on the score and internal cut-off values, a variant classified as benign is not then subjected to further curation. The score for this variant resulted in a classification of benign for this disease.

Illumina Laboratory Services, Illumina
Classification: Benign for Distal hereditary motor neuronopathy type 5. Last evaluated: 2018-01-13. Review status: criteria provided, single submitter. Criteria: ICSL Variant Classification Criteria 13 December 2019. Collection method: clinical testing. Allele origin: germline.
Comment: the same text as in the submission from Illumina Laboratory Services, Illumina above.

Illumina Laboratory Services, Illumina
Classification: Benign for Distal Spinal Muscular Atrophy. Last evaluated: 2018-01-13. Review status: criteria provided, single submitter. Criteria: ICSL Variant Classification Criteria 13 December 2019. Collection method: clinical testing. Allele origin: germline.
Comment: the same text as in the submission from Illumina Laboratory Services, Illumina above.

NM_002047.2(GARS1):c.-280G>A

Gene: GARS1 (glycyl-tRNA synthetase 1; plus strand). Cytogenetic location: 7p14.3.
Variant type: single nucleotide variant.
Coding change: c.-280G>A on transcript NM_002047.2; 280 bases upstream of the start codon, G replaced by A.
Genome position (GRCh38, 1-based): chr7:30,594,642, G>A. VCF-style: chr7-30594642-G-A. GRCh37 (hg19) VCF-style: chr7-30634258-G-A.
Identifiers: ClinVar variation 910408 (VCV000910408.6), dbSNP rs73294431, ClinGen allele CA156095673.